The following is an entry in ClinVar:

ClinVar aggregate classification (germline): Uncertain significance (1 of 4 stars; one submission).

Conditions:
Propionic acidemia (PROP). Also called: GLYCINEMIA, KETOTIC; HYPERGLYCINEMIA WITH KETOACIDOSIS AND LEUKOPENIA; KETOTIC HYPERGLYCINEMIA. Identifiers: Orphanet 35, MedGen C0268579, MONDO:0011628, OMIM 606054, HP:0003571.

gnomAD v4.1: 8 of 1,543,600 alleles (0.00052%); highest among the groups gnomAD compares: African/African-American, 0.0014%; no homozygotes.

Submission:

Labcorp Genetics (formerly Invitae), Labcorp
Classification: Uncertain significance for Propionic acidemia. Last evaluated: 2023-08-10. Review status: criteria provided, single submitter. Criteria: Invitae Variant Classification Sherloc (09022015). Collection method: clinical testing. Allele origin: germline.
Comment: This sequence change falls in intron 2 of the PCCA gene. It does not directly change the encoded amino acid sequence of the PCCA protein. It affects a nucleotide within the consensus splice site. This variant is not present in population databases (gnomAD no frequency). This variant has not been reported in the literature in individuals affected with PCCA-related conditions. ClinVar contains an entry for this variant (Variation ID: 1983102). Variants that disrupt the consensus splice site are a relatively common cause of aberrant splicing (PMID: 17576681, 9536098). Algorithms developed to predict the effect of sequence changes on RNA splicing suggest that this variant is not likely to affect RNA splicing. In summary, the available evidence is currently insufficient to determine the role of this variant in disease. Therefore, it has been classified as a Variant of Uncertain Significance.

Literature cited by the submitters: PubMed 17576681; PubMed 9536098.

NM_000282.4(PCCA):c.183+3A>G

Gene: PCCA (propionyl-CoA carboxylase subunit alpha; plus strand). Cytogenetic location: 13q32.3.
Variant type: single nucleotide variant.
Coding change: c.183+3A>G on transcript NM_000282.4 (MANE Select); 3 bases into the intron after coding-DNA position 183, A replaced by G.
Molecular consequence: intron variant.
Genome position (GRCh38, 1-based): chr13:100,102,963, A>G. VCF-style: chr13-100102963-A-G. GRCh37 (hg19) VCF-style: chr13-100755217-A-G.
Other names: c.183+3A>G (NM_001178004.2, NM_001352605.2, NM_001352606.2 and 1 more transcripts); c.-684+3A>G (NM_001352610.2, NM_001352611.2, NM_001352612.2); c.106-8878A>G (NM_001127692.3, NM_001352607.2, NM_001352608.2).
Identifiers: ClinVar variation 1983102 (VCV001983102.2), dbSNP rs1179068352, ClinGen allele CA2580086920.